The following is an entry in ClinVar:

NM_016284.5(CNOT1):c.5627T>C (p.Phe1876Ser)

Gene: CNOT1 (CCR4-NOT transcription complex subunit 1; minus strand). Cytogenetic location: 16q21.
Variant type: single nucleotide variant.
Coding change: c.5627T>C on transcript NM_016284.5 (MANE Select); coding-DNA position 5627, T replaced by C.
Protein change: p.Phe1876Ser; replaces phenylalanine 1876 with serine.
Molecular consequence: missense variant. On other transcripts: non-coding transcript variant (1).
Genome position (GRCh38, 1-based): chr16:58,537,008, A>G on the plus strand (T>C on the coding strand, the complement: CNOT1 is on the minus strand). VCF-style: chr16-58537008-A-G. GRCh37 (hg19) VCF-style: chr16-58570912-A-G.
Other names: c.5612T>C, p.Phe1871Ser (NM_001265612.2); short protein forms F1871S, F1876S.
Identifiers: ClinVar variation 3372586 (VCV003372586.1).

ClinVar aggregate classification (germline): Uncertain significance (1 of 4 stars; one submission).

Submission:

GeneDx
Classification: Uncertain significance. Last evaluated: 2024-04-15. Review status: criteria provided, single submitter. Criteria: GeneDx Variant Classification Process June 2021. Collection method: clinical testing. Allele origin: germline. Affected: yes.
Comment: Not observed at significant frequency in large population cohorts (gnomAD); In silico analysis supports that this missense variant has a deleterious effect on protein structure/function; Has not been previously published as pathogenic or benign to our knowledge.